The following is an entry in ClinVar:

ClinVar aggregate classification (germline): Uncertain significance. Review status: criteria provided, multiple submitters, no conflicts (2 of 4 stars). 3 submissions from 3 submitters: Uncertain significance (3). Last evaluated 2024-05-23.

Conditions:
Hypertrophic cardiomyopathy 4. Also called: Familial hypertrophic cardiomyopathy 4. Identifiers: MedGen C1861862, MONDO:0007268, OMIM 115197.
Left ventricular noncompaction 10 (LVNC10). Identifiers: Orphanet 154, Orphanet 54260, MedGen C3715165, MONDO:0014163, OMIM 615396.
Cardiomyopathy (CMYO). Also called: Cardiomyopathies. Identifiers: Orphanet 167848, MedGen C0878544, MONDO:0004994, HP:0001638. Inheritance: Various modes of inheritance.
Hypertrophic cardiomyopathy. Also called: HYPERTROPHIC MYOCARDIOPATHY. Identifiers: Orphanet 217569, MedGen C0007194, MeSH D002312, MONDO:0005045, HP:0001639.

gnomAD v4.1: 2 of 1,611,804 alleles (0.00012%); highest among the groups gnomAD compares: Non-Finnish European, 0.00017%; no homozygotes.

Submissions (3):

Labcorp Genetics (formerly Invitae), Labcorp
Classification: Uncertain significance for Hypertrophic cardiomyopathy. Last evaluated: 2024-05-23. Review status: criteria provided, single submitter. Criteria: Invitae Variant Classification Sherloc (09022015). Collection method: clinical testing. Allele origin: germline.
Comment: This sequence change replaces aspartic acid, which is acidic and polar, with glutamic acid, which is acidic and polar, at codon 389 of the MYBPC3 protein (p.Asp389Glu). This variant is not present in population databases (gnomAD no frequency). This variant has not been reported in the literature in individuals affected with MYBPC3-related conditions. ClinVar contains an entry for this variant (Variation ID: 1332367). An algorithm developed to predict the effect of missense changes on protein structure and function (PolyPhen-2) suggests that this variant is likely to be tolerated. In summary, the available evidence is currently insufficient to determine the role of this variant in disease. Therefore, it has been classified as a Variant of Uncertain Significance.

Color Diagnostics, LLC DBA Color Health
Classification: Uncertain significance for Cardiomyopathy. Last evaluated: 2024-03-06. Review status: criteria provided, single submitter. Criteria: ACMG Guidelines, 2015. Collection method: clinical testing. Allele origin: germline.
Comment: This missense variant replaces aspartic acid with glutamic acid at codon 389 of the MYBPC3 protein. Computational prediction suggests that this variant may not impact protein structure and function (internally defined REVEL score threshold <= 0.5, PMID: 27666373). To our knowledge, functional studies have not been reported for this variant. This variant has not been reported in individuals affected with cardiovascular disorders in the literature. This variant has not been identified in the general population by the Genome Aggregation Database (gnomAD). The available evidence is insufficient to determine the role of this variant in disease conclusively. Therefore, this variant is classified as a Variant of Uncertain Significance.

Fulgent Genetics
Classification: Uncertain significance for Hypertrophic cardiomyopathy 4; Left ventricular noncompaction 10. Last evaluated: 2021-12-05. Review status: criteria provided, single submitter. Criteria: ACMG Guidelines, 2015. Collection method: clinical testing. Allele origin: unknown.

NM_000256.3(MYBPC3):c.1167C>G (p.Asp389Glu)

Gene: MYBPC3 (myosin binding protein C3; minus strand). Cytogenetic location: 11p11.2.
Variant type: single nucleotide variant.
Coding change: c.1167C>G on transcript NM_000256.3 (MANE Select); coding-DNA position 1167, C replaced by G.
Protein change: p.Asp389Glu; replaces aspartic acid 389 with glutamic acid.
Molecular consequence: missense variant.
Genome position (GRCh38, 1-based): chr11:47,343,548, G>C on the plus strand (C>G on the coding strand, the complement: MYBPC3 is on the minus strand). VCF-style: chr11-47343548-G-C. GRCh37 (hg19) VCF-style: chr11-47365099-G-C.
Other names: short protein forms D389E.
Identifiers: ClinVar variation 1332367 (VCV001332367.9), dbSNP rs1292522713, ClinGen allele CA380328831.